The following is an entry in ClinVar:

ClinVar aggregate classification (germline): Uncertain significance (1 of 4 stars; one submission).

Submission:

Labcorp Genetics (formerly Invitae), Labcorp
Classification: Uncertain significance. Last evaluated: 2022-05-03. Review status: criteria provided, single submitter. Criteria: Invitae Variant Classification Sherloc (09022015). Collection method: clinical testing. Allele origin: germline.
Comment: In summary, the available evidence is currently insufficient to determine the role of this variant in disease. Therefore, it has been classified as a Variant of Uncertain Significance. Algorithms developed to predict the effect of missense changes on protein structure and function output the following: SIFT: "Tolerated"; PolyPhen-2: "Not Available"; Align-GVGD: "Class C0". The serine amino acid residue is found in multiple mammalian species, which suggests that this missense change does not adversely affect protein function. This variant has not been reported in the literature in individuals affected with PCLO-related conditions. This variant is not present in population databases (gnomAD no frequency). This sequence change replaces alanine, which is neutral and non-polar, with serine, which is neutral and polar, at codon 1281 of the PCLO protein (p.Ala1281Ser).

NM_033026.6(PCLO):c.3841G>T (p.Ala1281Ser)

Gene: PCLO (piccolo presynaptic cytomatrix protein; minus strand). Cytogenetic location: 7q21.11.
Variant type: single nucleotide variant.
Coding change: c.3841G>T on transcript NM_033026.6 (MANE Select); coding-DNA position 3841, G replaced by T.
Protein change: p.Ala1281Ser; replaces alanine 1281 with serine.
Molecular consequence: missense variant.
Genome position (GRCh38, 1-based): chr7:82,965,947, C>A on the plus strand (G>T on the coding strand, the complement: PCLO is on the minus strand). VCF-style: chr7-82965947-C-A. GRCh37 (hg19) VCF-style: chr7-82595263-C-A.
Other names: c.3841G>T, p.Ala1281Ser (NM_014510.3); short protein forms A1281S.
Identifiers: ClinVar variation 1959884 (VCV001959884.5), dbSNP rs1795758553, ClinGen allele CA367931654.